The following is an entry in ClinVar:

ClinVar aggregate classification (germline): Benign/Likely benign. Review status: criteria provided, multiple submitters, no conflicts (2 of 4 stars). 10 submissions from 8 submitters: Benign (2); Likely benign (7). 1 of the submissions does not count toward it. Last evaluated 2026-05-08.

Conditions:
Amyotrophic lateral sclerosis type 4 (ALS4). Also called: AMYOTROPHIC LATERAL SCLEROSIS 4, JUVENILE; NEURONOPATHY, DISTAL HEREDITARY MOTOR, WITH PYRAMIDAL FEATURES. Identifiers: Orphanet 357043, MedGen C1865409, MONDO:0011223, OMIM 602433.
Spinocerebellar ataxia, autosomal recessive, with axonal neuropathy 2 (SCAN2). Also called: Ataxia-ocular apraxia-2; Ataxia with Oculomotor Apraxia; ATAXIA-OCULOMOTOR APRAXIA 2; Ataxia with Oculomotor Apraxia Type 2. Identifiers: Orphanet 64753, MedGen C1853761, MONDO:0018996, OMIM 606002.
SETX-related disorder. Also called: SETX-related condition; SETX-related disorders. Identifiers: MedGen CN239403.

Allele frequency attached by ClinVar (database versions not stated): gnomAD exomes 0.00015 and 0.00065; gnomAD 0.00037 and 0.00040; ExAC 0.00054; TOPMed 0.00057; 1000 Genomes Project 30x 0.00094; 1000 Genomes Project 0.00100; ESP Exome Variant Server 0.00015.

Submissions (10):

Women's Health and Genetics/Laboratory Corporation of America, LabCorp
Classification: Likely benign. Last evaluated: 2026-05-08. Review status: criteria provided, single submitter. Criteria: LabCorp Variant Classification Summary - May 2015. Collection method: clinical testing. Allele origin: germline.
Comment: Variant summary: SETX c.1693T>C (p.Phe565Leu) results in a non-conservative amino acid change in the encoded protein sequence. Algorithms developed to predict the effect of missense changes on protein structure and function are either unavailable or do not agree on the potential impact of this missense change. The variant allele was found at a frequency of 0.00065 in 251116 control chromosomes, predominantly at a frequency of 0.0044 within the Latino subpopulation in the gnomAD database. The observed variant frequency within Latino control individuals in the gnomAD database exceeds the estimated maximal expected allele frequency for disease-causing variants in SETX. To our knowledge, no occurrence of c.1693T>C in individuals affected with SETX-related conditions and no experimental evidence demonstrating its impact on protein function have been reported. ClinVar contains an entry for this variant (Variation ID: 365370). Based on the evidence outlined above, the variant was classified as likely benign.

Labcorp Genetics (formerly Invitae), Labcorp
Classification: Likely benign for Amyotrophic lateral sclerosis type 4; Spinocerebellar ataxia, autosomal recessive, with axonal neuropathy 2. Last evaluated: 2026-01-08. Review status: criteria provided, single submitter. Criteria: Invitae Variant Classification Sherloc (09022015). Collection method: clinical testing. Allele origin: germline.

ARUP Laboratories, Molecular Genetics and Genomics, ARUP Laboratories
Classification: Likely benign. Last evaluated: 2024-10-02. Review status: criteria provided, single submitter. Criteria: ARUP Molecular Germline Variant Investigation Process 2024. Collection method: clinical testing. Allele origin: germline.

Genome-Nilou Lab
Classification: Likely benign for Spinocerebellar ataxia, autosomal recessive, with axonal neuropathy 2. Last evaluated: 2023-02-08. Review status: criteria provided, single submitter. Criteria: ACMG Guidelines, 2015. Collection method: clinical testing. Allele origin: germline.

Genome-Nilou Lab
Classification: Likely benign for Amyotrophic lateral sclerosis type 4. Last evaluated: 2023-02-08. Review status: criteria provided, single submitter. Criteria: ACMG Guidelines, 2015. Collection method: clinical testing. Allele origin: germline.

Athena Diagnostics
Classification: Benign. Last evaluated: 2018-12-31. Review status: criteria provided, single submitter. Criteria: Athena Diagnostics Criteria. Collection method: clinical testing. Allele origin: germline.

Illumina Laboratory Services, Illumina
Classification: Benign for Amyotrophic lateral sclerosis type 4. Last evaluated: 2018-01-12. Review status: criteria provided, single submitter. Criteria: ICSL Variant Classification Criteria 13 December 2019. Collection method: clinical testing. Allele origin: germline.
Comment: This variant was observed in the ICSL laboratory as part of a predisposition screen in an ostensibly healthy population. It had not been previously curated by ICSL or reported in the Human Gene Mutation Database (HGMD: prior to June 1st, 2018), and was therefore a candidate for classification through an automated scoring system. Utilizing variant allele frequency, disease prevalence and penetrance estimates, and inheritance mode, an automated score was calculated to assess if this variant is too frequent to cause the disease. Based on the score and internal cut-off values, a variant classified as benign is not then subjected to further curation. The score for this variant resulted in a classification of benign for this disease.

Illumina Laboratory Services, Illumina
Classification: Likely benign for Spinocerebellar ataxia, autosomal recessive, with axonal neuropathy 2. Last evaluated: 2018-01-12. Review status: criteria provided, single submitter. Criteria: ICSL Variant Classification Criteria 13 December 2019. Collection method: clinical testing. Allele origin: germline.
Comment: This variant was observed in the ICSL laboratory as part of a predisposition screen in an ostensibly healthy population. It had not been previously curated by ICSL or reported in the Human Gene Mutation Database (HGMD: prior to June 1st, 2018), and was therefore a candidate for classification through an automated scoring system. Utilizing variant allele frequency, disease prevalence and penetrance estimates, and inheritance mode, an automated score was calculated to assess if this variant is too frequent to cause the disease. Based on the score and internal cut-off values, a variant classified as likely benign is not then subjected to further curation. The score for this variant resulted in a classification of likely benign for this disease.

Breakthrough Genomics
Classification: Likely benign. Review status: criteria provided, single submitter. Criteria: ACMG Guidelines, 2015. Collection method: not provided. Allele origin: germline. Inheritance: Autosomal recessive inheritance. Affected: yes.

PreventionGenetics, part of Exact Sciences
Classification: Likely benign for SETX-related condition. Last evaluated: 2020-01-02. Review status: no assertion criteria provided. Collection method: clinical testing. Allele origin: germline. Not counted in ClinVar's aggregate classification.
Comment: This variant is classified as likely benign based on ACMG/AMP sequence variant interpretation guidelines (Richards et al. 2015 PMID: 25741868, with internal and published modifications).

NM_015046.7(SETX):c.1693T>C (p.Phe565Leu)

Gene: SETX (senataxin; minus strand). Cytogenetic location: 9q34.13.
Variant type: single nucleotide variant.
Coding change: c.1693T>C on transcript NM_015046.7 (MANE Select); coding-DNA position 1693, T replaced by C.
Protein change: p.Phe565Leu; replaces phenylalanine 565 with leucine.
Molecular consequence: missense variant.
Genome position (GRCh38, 1-based): chr9:132,329,905, A>G on the plus strand (T>C on the coding strand, the complement: SETX is on the minus strand). VCF-style: chr9-132329905-A-G. GRCh37 (hg19) VCF-style: chr9-135205292-A-G.
Other names: c.1693T>C, p.Phe565Leu (NM_001351527.2, NM_001351528.2); short protein forms F565L.
Identifiers: ClinVar variation 365370 (VCV000365370.25), dbSNP rs143982186, ClinGen allele CA5297731.